The following is an entry in ClinVar:

NM_014639.4(SKIC3):c.4436T>A (p.Phe1479Tyr)

Gene: SKIC3 (SKI3 subunit of superkiller complex; minus strand). Cytogenetic location: 5q15.
Variant type: single nucleotide variant.
Coding change: c.4436T>A on transcript NM_014639.4 (MANE Select); coding-DNA position 4436, T replaced by A.
Protein change: p.Phe1479Tyr; replaces phenylalanine 1479 with tyrosine.
Molecular consequence: missense variant.
Genome position (GRCh38, 1-based): chr5:95,469,840, A>T on the plus strand (T>A on the coding strand, the complement: SKIC3 is on the minus strand). VCF-style: chr5-95469840-A-T. GRCh37 (hg19) VCF-style: chr5-94805544-A-T.
Other names: short protein forms F1479Y.
Identifiers: ClinVar variation 1401622 (VCV001401622.5), dbSNP rs1254413619, ClinGen allele CA360439161.
Genomic context (GRCh38, chr5:95,469,840, plus strand): 5'-CTTGCCCCCATTTTGCGTTTGAATTGTAACAAAGCTTGTAAAAGAACAGCCAGTGGACAA[A>T]AGCAAAGCTTCAAGGCCTCAGTTGTAGCCTCTTGAACCAAAGATGGCCAGTGATCATTGG-3'
Protein context (NP_055454.1, residues 1469-1489): EATTEALKLC[Phe1479Tyr]CPLAVLLQAL

ClinVar aggregate classification (germline): Uncertain significance (1 of 4 stars; one submission).

Allele frequency attached by ClinVar (database versions not stated): TOPMed below 0.00001; gnomAD exomes below 0.00001.
gnomAD v4.1: 3 of 1,614,202 alleles (0.00019%); highest among the groups gnomAD compares: Admixed American, 0.0033%; no homozygotes.

Submission:

Labcorp Genetics (formerly Invitae), Labcorp
Classification: Uncertain significance. Last evaluated: 2021-08-26. Review status: criteria provided, single submitter. Criteria: Invitae Variant Classification Sherloc (09022015). Collection method: clinical testing. Allele origin: germline.
Comment: This sequence change replaces phenylalanine with tyrosine at codon 1479 of the TTC37 protein (p.Phe1479Tyr). The phenylalanine residue is weakly conserved and there is a small physicochemical difference between phenylalanine and tyrosine. This variant is not present in population databases (ExAC no frequency). This variant has not been reported in the literature in individuals affected with TTC37-related conditions. Algorithms developed to predict the effect of missense changes on protein structure and function are either unavailable or do not agree on the potential impact of this missense change (SIFT: "Tolerated"; PolyPhen-2: "Possibly Damaging"; Align-GVGD: "Class C0"). In summary, the available evidence is currently insufficient to determine the role of this variant in disease. Therefore, it has been classified as a Variant of Uncertain Significance.